The following is an entry in ClinVar:

NM_000092.5(COL4A4):c.2555G>A (p.Gly852Asp)

Gene: COL4A4 (collagen type IV alpha 4 chain; minus strand). Cytogenetic location: 2q36.3.
Variant type: single nucleotide variant.
Coding change: c.2555G>A on transcript NM_000092.5 (MANE Select); coding-DNA position 2555, G replaced by A.
Protein change: p.Gly852Asp; replaces glycine 852 with aspartic acid.
Molecular consequence: missense variant.
Genome position (GRCh38, 1-based): chr2:227,056,106, C>T on the plus strand (G>A on the coding strand, the complement: COL4A4 is on the minus strand). VCF-style: chr2-227056106-C-T. GRCh37 (hg19) VCF-style: chr2-227920822-C-T.
Other names: short protein forms G852D.
Identifiers: ClinVar variation 3233949 (VCV003233949.4), dbSNP rs2474124227, ClinGen allele CA350841126.

ClinVar aggregate classification (germline): Conflicting classifications of pathogenicity. Review status: criteria provided, conflicting classifications (1 of 4 stars). 3 submissions from 3 submitters: Likely pathogenic (2); Uncertain significance (1). Last evaluated 2025-01-23.

Conditions:
Autosomal recessive Alport syndrome (ATS2). Also called: COL4A4 Alport Syndrome and Thin Basement Membrane Nephropathy; ALPORT SYNDROME 2, AUTOSOMAL RECESSIVE; Alport syndrome type 2; COL4A3-Related Nephropathy. Identifiers: Orphanet 63, Orphanet 88919, MedGen C4746745, MONDO:0008762, OMIM 203780.
Hematuria, benign familial, 1 (BFH1). Also called: THIN MEMBRANE NEPHROPATHY. Identifiers: MedGen CN376803, MONDO:0007709, OMIM 141200.

Submissions (3):

3billion
Classification: Likely pathogenic for Autosomal recessive Alport syndrome. Last evaluated: 2025-01-23. Review status: criteria provided, single submitter. Criteria: ACMG Guidelines, 2015. Collection method: clinical testing. Allele origin: germline. Affected: yes.
Comment: The variant is not observed in the gnomAD v4.1.0 dataset. Predicted Consequence/Location: The variant is located in a mutational hot spot and/or well-established functional domain in which established pathogenic variants have been reported (PMID: 30311386, 27627812). In silico tool predictions suggest damaging effect of the variant on gene or gene product [REVEL: 0.96 (>=0.6, sensitivity 0.68 and specificity 0.92); 3Cnet: 0.78 (>=0.6, sensitivity 0.72 and precision 0.9)]. The same nucleotide change resulting in the same amino acid change has been previously reported to be associated with COL4A4-related disorder (PMID: 32647767). Therefore, this variant is classified as Likely pathogenic according to the recommendation of ACMG/AMP guideline.

Fulgent Genetics
Classification: Likely pathogenic for Hematuria, benign familial, 1; Autosomal recessive Alport syndrome. Last evaluated: 2024-03-14. Review status: criteria provided, single submitter. Criteria: ACMG Guidelines, 2015. Collection method: clinical testing. Allele origin: germline.

Women's Health and Genetics/Laboratory Corporation of America, LabCorp
Classification: Uncertain significance. Last evaluated: 2024-03-14. Review status: criteria provided, single submitter. Criteria: LabCorp Variant Classification Summary - May 2015. Collection method: clinical testing. Allele origin: germline.
Comment: Variant summary: COL4A4 c.2555G>A (p.Gly852Asp) results in a non-conservative amino acid change in the encoded protein sequence. Five of five in-silico tools predict a damaging effect of the variant on protein function. The variant was absent in 249324 control chromosomes. The available data on variant occurrences in the general population are insufficient to allow any conclusion about variant significance. c.2555G>A has been reported in the literature in at-least three individuals from a family affected with Familial IgA Nephropathy, however incomplete penetrance and inconsistent description of the family from this study were also found (lI_2020). These report(s) do not provide unequivocal conclusions about association of the variant with Alport Syndrome, Autosomal Recessive. To our knowledge, no experimental evidence demonstrating an impact on protein function has been reported. The following publication have been ascertained in the context of this evaluation (PMID: 32647767). No submitters have cited clinical-significance assessments for this variant to ClinVar. Based on the evidence outlined above, the variant was classified as uncertain significance.

Literature cited by the submitters: PubMed 32647767 (cited by 3billion and Women's Health and Genetics/Laboratory Corporation of America, LabCorp).